The following is an entry in ClinVar:

ClinVar aggregate classification (germline): Uncertain significance. Review status: criteria provided, multiple submitters, no conflicts (2 of 4 stars). 2 submissions from 2 submitters: Uncertain significance (2). Last evaluated 2022-09-07.

Conditions:
Inborn genetic diseases. Identifiers: MedGen C0950123, MeSH D030342.
Deficiency of aromatic-L-amino-acid decarboxylase. Also called: Aromatic L-Amino Acid Decarboxylase Deficiency; DDC DEFICIENCY; DOPA DECARBOXYLASE DEFICIENCY; AADC DEFICIENCY; Aromatic amino acid decarboxylase deficiency. Identifiers: Orphanet 35708, MedGen C1291564, MONDO:0012084, OMIM 608643.

Allele frequency attached by ClinVar (database versions not stated): gnomAD 0.00005; TOPMed 0.00005; ExAC 0.00006; ESP Exome Variant Server 0.00023.
gnomAD v4.1: 47 of 1,598,494 alleles (0.0029%); highest among the groups gnomAD compares: South Asian, 0.0055%; no homozygotes.

Submissions (2):

Labcorp Genetics (formerly Invitae), Labcorp
Classification: Uncertain significance for Deficiency of aromatic-L-amino-acid decarboxylase. Last evaluated: 2022-09-07. Review status: criteria provided, single submitter. Criteria: Invitae Variant Classification Sherloc (09022015). Collection method: clinical testing. Allele origin: germline.
Comment: This sequence change replaces arginine, which is basic and polar, with histidine, which is basic and polar, at codon 379 of the DDC protein (p.Arg379His). This variant is present in population databases (rs147937771, gnomAD 0.01%). This variant has not been reported in the literature in individuals affected with DDC-related conditions. ClinVar contains an entry for this variant (Variation ID: 1051053). Algorithms developed to predict the effect of missense changes on protein structure and function (SIFT, PolyPhen-2, Align-GVGD) all suggest that this variant is likely to be disruptive. In summary, the available evidence is currently insufficient to determine the role of this variant in disease. Therefore, it has been classified as a Variant of Uncertain Significance.

Ambry Genetics
Classification: Uncertain significance for Inborn genetic diseases. Last evaluated: 2022-06-17. Review status: criteria provided, single submitter. Criteria: Ambry Variant Classification Scheme 2023. Collection method: clinical testing. Allele origin: germline.

NM_001082971.2(DDC):c.1136G>A (p.Arg379His)

Gene: DDC (dopa decarboxylase; minus strand). Cytogenetic location: 7p12.2.
Variant type: single nucleotide variant.
Coding change: c.1136G>A on transcript NM_001082971.2 (MANE Select); coding-DNA position 1136, G replaced by A.
Protein change: p.Arg379His; replaces arginine 379 with histidine.
Molecular consequence: missense variant.
Genome position (GRCh38, 1-based): chr7:50,470,077, C>T on the plus strand (G>A on the coding strand, the complement: DDC is on the minus strand). VCF-style: chr7-50470077-C-T. GRCh37 (hg19) VCF-style: chr7-50537775-C-T.
Other names: c.1136G>A (NM_000790.3); c.1136G>A, p.Arg379His (NM_000790.4); c.1022G>A, p.Arg341His (NM_001242886.2); c.992G>A, p.Arg331His (NM_001242887.2); c.902G>A, p.Arg301His (NM_001242888.2); c.857G>A, p.Arg286His (NM_001242889.2); short protein forms R286H, R301H, R331H, R341H, R379H.
Identifiers: ClinVar variation 1051053 (VCV001051053.5), dbSNP rs147937771, ClinGen allele CA4262063.